The following is an entry in ClinVar:

NM_007294.4(BRCA1):c.4764del (p.Arg1589fs)

Gene: BRCA1 (BRCA1 DNA repair associated; minus strand). Cytogenetic location: 17q21.31.
Variant type: Deletion.
Coding change: c.4764del on transcript NM_007294.4 (MANE Select); coding-DNA position 4764, one base deleted (T; older notation c.4764delT).
Protein change: p.Arg1589fs; shifts the reading frame from arginine 1589.
Molecular consequence: frameshift variant. On other transcripts: non-coding transcript variant (1).
Genome position (GRCh38, 1-based): chr17:43,071,150, A deleted on the plus strand (T on the coding strand, the reverse complement: BRCA1 is on the minus strand). VCF-style (leftmost placement, unchanged base first): chr17-43071149-GA-G. GRCh37 (hg19) VCF-style: chr17-41223166-GA-G.
Other names: c.4551delT, p.Arg1518Valfs (NM_001407571.1, NM_001407894.1, NM_001407895.1 and 12 more transcripts); c.4830delT, p.Arg1611Valfs (NM_001407581.1, NM_001407582.1); c.4827delT, p.Arg1610Valfs (NM_001407583.1, NM_001407585.1, NM_001407587.1); c.4824delT, p.Arg1609Valfs (NM_001407590.1, NM_001407591.1); c.4764delT, p.Arg1589Valfs (NM_001407593.1, NM_001407594.1, NM_001407596.1 and 8 more transcripts); c.4761delT, p.Arg1588Valfs (NM_001407610.1, NM_001407611.1, NM_001407612.1 and 17 more transcripts); c.4758delT, p.Arg1587Valfs (NM_001407627.1, NM_001407628.1, NM_001407629.1 and 14 more transcripts); c.4755delT, p.Arg1586Valfs (NM_001407644.1, NM_001407645.1); and 73 more; short protein forms R1589fs, R485fs, R1542fs, R1610fs.
Identifiers: ClinVar variation 55282 (VCV000055282.5), dbSNP rs397509196, ClinGen allele CA003010.

ClinVar aggregate classification (germline): Pathogenic. Review status: reviewed by expert panel (3 of 4 stars). 4 submissions from 4 submitters: Pathogenic (1). 3 of the submissions do not count toward it. Last evaluated 2017-12-15.

Conditions:
Familial cancer of breast. Also called: hereditary breast carcinoma; BREAST CANCER, FAMILIAL; Hereditary breast cancer. Identifiers: Orphanet 227535, MedGen C0346153, MONDO:0016419, OMIM 114480. Disease mechanism: loss of function.
Breast-ovarian cancer, familial, susceptibility to, 1 (BROVCA1). Also called: BRCA1 Hereditary Breast and Ovarian Cancer; OVARIAN CANCER, SUSCEPTIBILITY TO. Identifiers: Orphanet 145, MedGen C2676676, MONDO:0011450, OMIM 604370. Disease mechanism: loss of function.

Submissions (4):

Evidence-based Network for the Interpretation of Germline Mutant Alleles (ENIGMA)
Classification: Pathogenic for Breast-ovarian cancer, familial, susceptibility to, 1. Last evaluated: 2017-12-15. Review status: reviewed by expert panel. Criteria: ENIGMA BRCA1/2 Classification Criteria (2017-06-29). Collection method: curation. Allele origin: germline. Study: ENIGMA.
Comment: Variant allele predicted to encode a truncated non-functional protein.

Medical and Scientific Branch, Hong Kong Genome Institute
Classification: Pathogenic for Breast-ovarian cancer, familial, susceptibility to, 1. Last evaluated: 2026-01-26. Review status: criteria provided, single submitter. Criteria: ACMG Guidelines, 2015. Collection method: clinical testing. Allele origin: unknown. Affected: yes. Not counted in ClinVar's aggregate classification.

Myriad Genetics, Inc.
Classification: Pathogenic for Breast-ovarian cancer, familial, susceptibility to, 1. Last evaluated: 2025-04-07. Review status: criteria provided, single submitter. Criteria: Myriad Autosomal Dominant, Autosomal Recessive and X-Linked Classification Criteria (2023). Collection method: clinical testing. Allele origin: unknown. Not counted in ClinVar's aggregate classification.
Comment: This variant is considered pathogenic. This variant creates a frameshift predicted to result in premature protein truncation.

ClinVar Staff, National Center for Biotechnology Information (NCBI)
No classification provided. Condition: Familial cancer of breast. Review status: no classification provided. Collection method: literature only. Allele origin: germline. Affected: yes. Not counted in ClinVar's aggregate classification.

Literature cited by the submitters: PubMed 21702907 (cited by ClinVar Staff, National Center for Biotechnology Information (NCBI)).